The following is an entry in ClinVar:

NM_001080467.3(MYO5B):c.1099G>C (p.Val367Leu)

Gene: MYO5B (myosin VB; minus strand). Cytogenetic location: 18q21.1.
Variant type: single nucleotide variant.
Coding change: c.1099G>C on transcript NM_001080467.3 (MANE Select); coding-DNA position 1099, G replaced by C.
Protein change: p.Val367Leu; replaces valine 367 with leucine.
Molecular consequence: missense variant.
Genome position (GRCh38, 1-based): chr18:49,974,573, C>G on the plus strand (G>C on the coding strand, the complement: MYO5B is on the minus strand). VCF-style: chr18-49974573-C-G. GRCh37 (hg19) VCF-style: chr18-47500943-C-G.
Other names: c.1099G>C (NM_001080467.2); short protein forms V367L.
Identifiers: ClinVar variation 1946345 (VCV001946345.6), dbSNP rs750627516, ClinGen allele CA8961640.

ClinVar aggregate classification (germline): Uncertain significance. Review status: criteria provided, multiple submitters, no conflicts (2 of 4 stars). 2 submissions from 2 submitters: Uncertain significance (2). Last evaluated 2025-10-10.

Conditions:
MYO5B-related disorder. Also called: MYO5B-related condition.

Allele frequency attached by ClinVar (database versions not stated): ExAC 0.00001; gnomAD 0.00001.
gnomAD v4.1: 10 of 1,614,078 alleles (0.00062%); highest among the groups gnomAD compares: South Asian, 0.0099%; no homozygotes.

Submissions (2):

PreventionGenetics, part of Exact Sciences
Classification: Uncertain significance for MYO5B-related condition. Last evaluated: 2025-10-10. Review status: criteria provided, single submitter. Criteria: ACMG Guidelines, 2015. Collection method: clinical testing. Allele origin: germline.
Comment: The MYO5B c.1099G>C variant is predicted to result in the amino acid substitution p.Val367Leu. To our knowledge, this variant has not been reported in the literature. This variant is reported in 0.0033% of alleles in individuals of South Asian descent in gnomAD. At this time, the clinical significance of this variant is uncertain due to the absence of conclusive functional and genetic evidence.

Labcorp Genetics (formerly Invitae), Labcorp
Classification: Uncertain significance. Last evaluated: 2022-07-11. Review status: criteria provided, single submitter. Criteria: Invitae Variant Classification Sherloc (09022015). Collection method: clinical testing. Allele origin: germline.
Comment: This variant has not been reported in the literature in individuals affected with MYO5B-related conditions. In summary, the available evidence is currently insufficient to determine the role of this variant in disease. Therefore, it has been classified as a Variant of Uncertain Significance. Algorithms developed to predict the effect of missense changes on protein structure and function (SIFT, PolyPhen-2, Align-GVGD) all suggest that this variant is likely to be tolerated. This variant is present in population databases (rs750627516, gnomAD 0.003%). This sequence change replaces valine, which is neutral and non-polar, with leucine, which is neutral and non-polar, at codon 367 of the MYO5B protein (p.Val367Leu).